The following is an entry in ClinVar:

ClinVar aggregate classification (germline): Likely pathogenic. Review status: criteria provided, single submitter (1 of 4 stars). 2 submissions from 2 submitters: Likely pathogenic (1). 1 of the submissions does not count toward it. Last evaluated 2023-07-18.

Conditions:
Loeys-Dietz syndrome 2 (LDS2). Also called: TGFBR2-Related Loeys-Dietz Syndrome; AORTIC ANEURYSM, FAMILIAL THORACIC 3; MARFAN SYNDROME, TYPE II; Marfan syndrome, type 2 (formerly); Marfan Syndrome type 2; Marfan like connective tissue disorder. Identifiers: Orphanet 284973, Orphanet 558, MedGen C2674574, MONDO:0012427, OMIM 610168.

Submissions (2):

GeneDx
Classification: Likely pathogenic. Last evaluated: 2023-07-18. Review status: criteria provided, single submitter. Criteria: GeneDx Variant Classification Process June 2021. Collection method: clinical testing. Allele origin: germline. Affected: yes.
Comment: Canonical splice site variant in a gene or region of a gene for which loss of function is not a well-established mechanism of disease; Published RNA studies demonstrate that the variant induced the use of a cryptic splice acceptor and resulted in the in-frame insertion of a 30-bp intronic sequence within the kinase domain (Kosaki et al., 2006); Apparently de novo variant in a patient with ShprintzenGoldberg Syndrome and features including arachnodactyly, craniosynostosis, cardiovascular anomalies, pectus excavatum and scoliosis (Kosaki et al., 2006); Not observed at significant frequency in large population cohorts (gnomAD); This variant is associated with the following publications: (PMID: 25525159, 19339519, 16333834)

OMIM
Classification: Pathogenic for LOEYS-DIETZ SYNDROME 2. Last evaluated: 2006-01-01. Review status: no assertion criteria provided. Collection method: literature only. Allele origin: germline. Not counted in ClinVar's aggregate classification.

Literature cited by the submitters: PubMed 16333834 (cited by OMIM); Robinson, P. N., Neumann, L. M., Tinschert, S. Response to Kosaki et al. (Letter) Am. J. Med. Genet. 140A: 109-110, 2006. (cited by OMIM).

NM_003242.6(TGFBR2):c.1397-2A>G

Gene: TGFBR2 (transforming growth factor beta receptor 2; plus strand). Cytogenetic location: 3p24.1.
Variant type: single nucleotide variant.
Coding change: c.1397-2A>G on transcript NM_003242.6 (MANE Select); the canonical splice acceptor site of the intron before coding-DNA position 1397, A replaced by G.
Molecular consequence: splice acceptor variant. On other transcripts: intron variant (2).
Genome position (GRCh38, 1-based): chr3:30,688,382, A>G. VCF-style: chr3-30688382-A-G. GRCh37 (hg19) VCF-style: chr3-30729874-A-G.
Other names: IVS5AS, -2A-G; c.1400-2A>G (NM_001407129.1); c.1292-2A>G (NM_001407132.1, NM_001407136.1, NM_001407133.1 and 2 more transcripts); c.1580-2A>G (NM_001407126.1); c.1472-2A>G (NM_001024847.3); c.530-5A>G (NM_001407139.1); c.1112-2A>G (NM_001407137.1); c.1505-2A>G (NM_001407127.1); and 3 more.
Identifiers: ClinVar variation 12516 (VCV000012516.3), dbSNP rs587776770, ClinGen allele CA020674.
Genomic context (GRCh38, chr3:30,688,382, plus strand): 5'-TCATTTCCTTTGGCTGCACATGCCATTCTCAGTGACCCTGTGTTTGCTGGCTTTCTTCAC[A>G]GAAGTAAAAGATTATGAGCCTCCATTTGGTTCCAAGGTGCGGGAGCACCCCTGTGTCGAA-3'